The following is an entry in ClinVar:

NM_001451.3(FOXF1):c.166C>T (p.Leu56Phe)

Gene: FOXF1 (forkhead box F1; plus strand). Cytogenetic location: 16q24.1.
Variant type: single nucleotide variant.
Coding change: c.166C>T on transcript NM_001451.3 (MANE Select); coding-DNA position 166, C replaced by T.
Protein change: p.Leu56Phe; replaces leucine 56 with phenylalanine.
Molecular consequence: missense variant.
Genome position (GRCh38, 1-based): chr16:86,510,735, C>T. VCF-style: chr16-86510735-C-T. GRCh37 (hg19) VCF-style: chr16-86544341-C-T.
Other names: short protein forms L56F.
Identifiers: ClinVar variation 2500035 (VCV002500035.1), dbSNP rs1969548621, ClinGen allele CA397005374.

ClinVar aggregate classification (germline): Uncertain significance (1 of 4 stars; one submission).

Conditions:
Alveolar capillary dysplasia with pulmonary venous misalignment. Also called: Congenital alveolar capillary dysplasia; Alveolar capillary dysplasia with misalignment of pulmonary veins; ALVEOLAR CAPILLARY DYSPLASIA WITH MISALIGNMENT OF PULMONARY VEINS AND OTHER CONGENITAL ANOMALIES. Identifiers: Orphanet 210122, MedGen C2960310, MONDO:0009934, OMIM 265380.

Submission:

Center for Genomics, Ann and Robert H. Lurie Children's Hospital of Chicago
Classification: Uncertain significance for Alveolar capillary dysplasia with pulmonary venous misalignment. Last evaluated: 2021-03-30. Review status: criteria provided, single submitter. Criteria: ACMG Guidelines, 2015. Collection method: clinical testing. Allele origin: germline.
Comment: FOXF1 NM_001451.2 exon 1 p.Leu56Phe (c.166C>T): This variant has not been reported in the literature and is not present in large control databases. Evolutionary conservation and computational predictive tools suggest that this variant may impact the protein. In summary, data on this variant is insufficient for disease classification. Therefore, the clinical significance of this variant is uncertain.